The following is an entry in ClinVar:

NM_001378328.1(CELSR1):c.4243G>A (p.Gly1415Arg)

Gene: CELSR1 (cadherin EGF LAG seven-pass G-type receptor 1; minus strand). Cytogenetic location: 22q13.31.
Variant type: single nucleotide variant.
Coding change: c.4243G>A on transcript NM_001378328.1 (MANE Select); coding-DNA position 4243, G replaced by A.
Protein change: p.Gly1415Arg; replaces glycine 1415 with arginine.
Molecular consequence: missense variant.
Genome position (GRCh38, 1-based): chr22:46,439,352, C>T on the plus strand (G>A on the coding strand, the complement: CELSR1 is on the minus strand). VCF-style: chr22-46439352-C-T. GRCh37 (hg19) VCF-style: chr22-46835249-C-T.
Other names: c.4243G>A, p.Gly1415Arg (NM_014246.4); short protein forms G1415R.
Identifiers: ClinVar variation 3032712 (VCV003032712.2), dbSNP rs777482938, ClinGen allele CA10294742.

ClinVar aggregate classification (germline): Likely benign (0 of 4 stars; one submission).

Conditions:
CELSR1-related disorder. Also called: CELSR1-related condition.

Allele frequency attached by ClinVar (database versions not stated): ExAC 0.00001; TOPMed 0.00002; gnomAD 0.00003.
gnomAD v4.1: 33 of 1,613,934 alleles (0.002%); highest among the groups gnomAD compares: African/African-American, 0.004%; no homozygotes.

Submission:

PreventionGenetics, part of Exact Sciences
Classification: Likely benign for CELSR1-related condition. Last evaluated: 2024-02-13. Review status: no assertion criteria provided. Collection method: clinical testing. Allele origin: germline.
Comment: This variant is classified as likely benign based on ACMG/AMP sequence variant interpretation guidelines (Richards et al. 2015 PMID: 25741868, with internal and published modifications).